The following is an entry in ClinVar:

NM_000179.3(MSH6):c.4083G>C (p.Ter1361Tyr)

Gene: MSH6 (mutS homolog 6; plus strand). Cytogenetic location: 2p16.3.
Variant type: single nucleotide variant.
Coding change: c.4083G>C on transcript NM_000179.3 (MANE Select); coding-DNA position 4083, G replaced by C.
Protein change: p.Ter1361Tyr.
Molecular consequence: stop lost.
Genome position (GRCh38, 1-based): chr2:47,806,860, G>C. VCF-style: chr2-47806860-G-C. GRCh37 (hg19) VCF-style: chr2-48033999-G-C.
Other names: *1361Y; *1059Y; *1231Y; c.3693G>C, p.Ter1231Tyr (NM_001281492.2); c.3177G>C, p.Ter1059Tyr (NM_001281493.2, NM_001281494.2).
Identifiers: ClinVar variation 525598 (VCV000525598.9), dbSNP rs1553334125, ClinGen allele CA346761781.

ClinVar aggregate classification (germline): Uncertain significance (1 of 4 stars; one submission).

Conditions:
Hereditary nonpolyposis colorectal neoplasms. Identifiers: MedGen C0009405, MeSH D003123.

Allele frequency attached by ClinVar (database versions not stated): gnomAD exomes below 0.00001.

Submission:

Labcorp Genetics (formerly Invitae), Labcorp
Classification: Uncertain significance for Hereditary nonpolyposis colorectal neoplasms. Last evaluated: 2017-09-16. Review status: criteria provided, single submitter. Criteria: Invitae Variant Classification Sherloc (09022015). Collection method: clinical testing. Allele origin: germline.
Comment: This variant has not been reported in the literature in individuals with MSH6-related disease. Experimental studies and prediction algorithms are not available for this variant, and the functional significance of the additional amino acids are currently unknown. In summary, the available evidence is currently insufficient to determine the role of this variant in disease. Therefore, it has been classified as a Variant of Uncertain Significance. This variant is not present in population databases (ExAC no frequency). This sequence change disrupts the translational stop signal of the MSH6 mRNA. It is expected to extend the length of the MSH6 protein by 29 additional amino acid residues.